The following is an entry in ClinVar:

ClinVar aggregate classification (germline): Likely pathogenic (1 of 4 stars; one submission).

Conditions:
Hereditary factor VIII deficiency disease (HEMA). Also called: HEMOPHILIA, CLASSIC; AUTOSOMAL HEMOPHILIA A; Hemophilia A; Hemophilia A, congenital; HEM A; Factor 8 deficiency, congenital. Identifiers: Orphanet 98878, MedGen C0019069, MONDO:0010602, OMIM 306700.

Allele frequency attached by ClinVar (database versions not stated): TOPMed 0.00001.

Submission:

ARUP Laboratories, Molecular Genetics and Genomics, ARUP Laboratories
Classification: Likely pathogenic for Hereditary factor VIII deficiency disease. Last evaluated: 2020-11-10. Review status: criteria provided, single submitter. Criteria: ARUP Molecular Germline Variant Investigation Process 2021. Collection method: clinical testing. Allele origin: germline.
Comment: The F8 c.5219G>T; p.Arg1740Met variant (rs1444273117), also known as Arg1721Met in traditional nomenclature, has been reported in at least 4 individuals with hemophilia A (David 2006, Guillet 2006, Johnsen 2017, Vinciguerra 2006). This variant is absent from general population databases (Exome Variant Server, Genome Aggregation Database), indicating it is not a common polymorphism. The arginine at codon 1740 is highly conserved, and computational analyses predict that this variant is deleterious (REVEL 0.802). Additionally, this variant occurs in the last nucleotide of exon 14, a highly conserved nucleotide, and computational analyses (Alamut v.2.11) predict that this variant may alter splicing. Based on available information, this variant is considered to be likely pathogenic. References: David D et al. The spectrum of mutations and molecular pathogenesis of hemophilia A in 181 Portuguese patients. Haematologica. 2006 Jun;91(6):840-3. Guillet B et al. Detection of 95 novel mutations in coagulation factor VIII gene F8 responsible for hemophilia A: results from a single institution. Hum Mutat. 2006 Jul;27(7):676-85. Johnsen JM et al. Novel approach to genetic analysis and results in 3000 hemophilia patients enrolled in the My Life, Our Future initiative. Blood Adv. 2017 May 18;1(13):824-834. Vinciguerra C et al. Characterisation of 96 mutations in 128 unrelated severe haemophilia A patients from France. Description of 62 novel mutations. Thromb Haemost. 2006 Apr;95(4):593-9.

NM_000132.4(F8):c.5219G>T (p.Arg1740Met)

Gene: F8 (coagulation factor VIII; minus strand). Cytogenetic location: Xq28.
Variant type: single nucleotide variant.
Coding change: c.5219G>T on transcript NM_000132.4 (MANE Select); coding-DNA position 5219, G replaced by T.
Protein change: p.Arg1740Met; replaces arginine 1740 with methionine.
Molecular consequence: missense variant.
Genome position (GRCh38, 1-based): chrX:154,928,571, C>A on the plus strand (G>T on the coding strand, the complement: F8 is on the minus strand). VCF-style: chrX-154928571-C-A. GRCh37 (hg19) VCF-style: chrX-154156846-C-A.
Other names: short protein forms R1740M.
Identifiers: ClinVar variation 1330455 (VCV001330455.7), dbSNP rs1444273117, ClinGen allele CA414913424.
Genomic context (GRCh38, chrX:154,928,571, plus strand): 5'-TCATCTGGTAAAGTCAAATGTCACAAGAGCAGAGCAAAGGAATAACCAATGCATTCATAC[C>A]TGTTTCTTAGAACATGTGGGGAGCTACTCATCCCATAATCCCAGAGCCTCTCCACTGCAG-3'
Protein context (NP_000123.1, residues 1730-1750): MSSSPHVLRN[Arg1740Met]AQSGSVPQFK